The following is an entry in ClinVar:

ClinVar aggregate classification (germline): Uncertain significance (0 of 4 stars; one submission).

Conditions:
DYRK1B-related disorder. Also called: DYRK1B-related condition.

Submission:

PreventionGenetics, part of Exact Sciences
Classification: Uncertain significance for DYRK1B-related condition. Last evaluated: 2024-02-16. Review status: no assertion criteria provided. Collection method: clinical testing. Allele origin: germline.
Comment: The DYRK1B c.1526C>T variant is predicted to result in the amino acid substitution p.Pro509Leu. To our knowledge, this variant has not been reported in the literature. This variant is reported in 0.0047% of alleles in individuals of Latino descent in gnomAD. At this time, the clinical significance of this variant is uncertain due to the absence of conclusive functional and genetic evidence.

NM_004714.3(DYRK1B):c.1526C>T (p.Pro509Leu)

Gene: DYRK1B (dual specificity tyrosine phosphorylation regulated kinase 1B; minus strand). Cytogenetic location: 19q13.2.
Variant type: single nucleotide variant.
Coding change: c.1526C>T on transcript NM_004714.3 (MANE Select); coding-DNA position 1526, C replaced by T.
Protein change: p.Pro509Leu; replaces proline 509 with leucine.
Molecular consequence: missense variant.
Genome position (GRCh38, 1-based): chr19:39,826,079, G>A on the plus strand (C>T on the coding strand, the complement: DYRK1B is on the minus strand). VCF-style: chr19-39826079-G-A. GRCh37 (hg19) VCF-style: chr19-40316719-G-A.
Other names: c.1406C>T, p.Pro469Leu (NM_006483.3); c.1442C>T, p.Pro481Leu (NM_006484.3); short protein forms P469L, P481L, P509L.
Identifiers: ClinVar variation 3358594 (VCV003358594.1).